The following is an entry in ClinVar:

ClinVar aggregate classification (germline): Uncertain significance (1 of 4 stars; one submission).

Conditions:
Hereditary cancer-predisposing syndrome. Also called: Hereditary neoplastic syndrome; Neoplastic Syndromes, Hereditary; Tumor predisposition; Hereditary Cancer Syndrome. Identifiers: Orphanet 140162, MedGen C0027672, MeSH D009386, MONDO:0015356.

Submission:

Ambry Genetics
Classification: Uncertain significance for Hereditary cancer-predisposing syndrome. Last evaluated: 2025-08-27. Review status: criteria provided, single submitter. Criteria: Ambry Variant Classification Scheme 2023. Collection method: clinical testing. Allele origin: germline.
Comment: The p.E74D variant (also known as c.222G>C), located in coding exon 3 of the MUTYH gene, results from a G to C substitution at nucleotide position 222. The glutamic acid at codon 74 is replaced by aspartic acid, an amino acid with highly similar properties. This amino acid position is conserved. In addition, this alteration is predicted to be tolerated by in silico analysis. Based on the available evidence, the clinical significance of this variant remains unclear.

NM_001048174.2(MUTYH):c.138G>C (p.Glu46Asp)

Gene: MUTYH (mutY DNA glycosylase; minus strand). Cytogenetic location: 1p34.1.
Variant type: single nucleotide variant.
Coding change: c.138G>C on transcript NM_001048174.2 (MANE Select); coding-DNA position 138, G replaced by C.
Protein change: p.Glu46Asp; replaces glutamic acid 46 with aspartic acid.
Molecular consequence: missense variant. On other transcripts: 5 prime UTR variant (1), non-coding transcript variant (5), intron variant (5).
Genome position (GRCh38, 1-based): chr1:45,333,539, C>G on the plus strand (G>C on the coding strand, the complement: MUTYH is on the minus strand). VCF-style: chr1-45333539-C-G. GRCh37 (hg19) VCF-style: chr1-45799211-C-G.
Other names: c.138G>C, p.Glu46Asp (NM_001048171.2, NM_001048173.2, NM_001293195.2 and 6 more transcripts); c.141G>C, p.Glu47Asp (NM_001048172.2, NM_001407071.1, NM_001407078.1 and 2 more transcripts); c.222G>C, p.Glu74Asp (NM_001128425.2); c.183G>C, p.Glu61Asp (NM_001293190.2); c.171G>C, p.Glu57Asp (NM_001293191.2, NM_001407077.1); c.-134G>C (NM_001350650.2); c.213G>C, p.Glu71Asp (NM_001407069.1, NM_012222.3); c.180G>C, p.Glu60Asp (NM_001407073.1, NM_001407083.1, NM_001407085.1); and 4 more; short protein forms E18D, E46D, E71D, E47D, E57D, E60D, E53D, E61D.
Identifiers: ClinVar variation 4113519 (VCV004113519.1).